The following is an entry in ClinVar:

NM_054027.6(ANKH):c.1127T>C (p.Phe376Ser)

Gene: ANKH (ANKH inorganic pyrophosphate transport regulator; minus strand). Cytogenetic location: 5p15.2.
Variant type: single nucleotide variant.
Coding change: c.1127T>C on transcript NM_054027.6 (MANE Select); coding-DNA position 1127, T replaced by C.
Protein change: p.Phe376Ser; replaces phenylalanine 376 with serine.
Molecular consequence: missense variant.
Genome position (GRCh38, 1-based): chr5:14,716,720, A>G on the plus strand (T>C on the coding strand, the complement: ANKH is on the minus strand). VCF-style: chr5-14716720-A-G. GRCh37 (hg19) VCF-style: chr5-14716829-A-G.
Other names: short protein forms F376S.
Identifiers: ClinVar variation 3610097 (VCV003610097.2).

ClinVar aggregate classification (germline): Uncertain significance (1 of 4 stars; one submission).

gnomAD v4.1: 8 of 1,614,136 alleles (0.0005%); highest among the groups gnomAD compares: Middle Eastern, 0.016%; no homozygotes.

Submission:

Labcorp Genetics (formerly Invitae), Labcorp
Classification: Uncertain significance. Last evaluated: 2024-05-31. Review status: criteria provided, single submitter. Criteria: Invitae Variant Classification Sherloc (09022015). Collection method: clinical testing. Allele origin: germline.
Comment: This sequence change replaces phenylalanine, which is neutral and non-polar, with serine, which is neutral and polar, at codon 376 of the ANKH protein (p.Phe376Ser). This variant is not present in population databases (gnomAD no frequency). This variant has not been reported in the literature in individuals affected with ANKH-related conditions. Advanced modeling of protein sequence and biophysical properties (such as structural, functional, and spatial information, amino acid conservation, physicochemical variation, residue mobility, and thermodynamic stability) performed at Invitae indicates that this missense variant is expected to disrupt ANKH protein function with a positive predictive value of 80%. In summary, the available evidence is currently insufficient to determine the role of this variant in disease. Therefore, it has been classified as a Variant of Uncertain Significance.